The following is an entry in ClinVar:

ClinVar aggregate classification (germline): Uncertain significance. Review status: criteria provided, multiple submitters, no conflicts (2 of 4 stars). 2 submissions from 2 submitters: Uncertain significance (2). Last evaluated 2025-02-10.

Allele frequency attached by ClinVar (database versions not stated): gnomAD exomes below 0.00001 and 0.00002; ExAC 0.00001; gnomAD 0.00001; TOPMed 0.00002.
gnomAD v4.1: 7 of 1,613,896 alleles (0.00043%); highest among the groups gnomAD compares: Middle Eastern, 0.016%; no homozygotes.

Submissions (2):

Labcorp Genetics (formerly Invitae), Labcorp
Classification: Uncertain significance. Last evaluated: 2025-02-10. Review status: criteria provided, single submitter. Criteria: Invitae Variant Classification Sherloc (09022015). Collection method: clinical testing. Allele origin: germline.
Comment: This sequence change replaces alanine, which is neutral and non-polar, with threonine, which is neutral and polar, at codon 584 of the CACNA1D protein (p.Ala584Thr). This variant is present in population databases (rs745525591, gnomAD 0.006%). This variant has not been reported in the literature in individuals affected with CACNA1D-related conditions. ClinVar contains an entry for this variant (Variation ID: 1398267). Invitae Evidence Modeling of protein sequence and biophysical properties (such as structural, functional, and spatial information, amino acid conservation, physicochemical variation, residue mobility, and thermodynamic stability) indicates that this missense variant is not expected to disrupt CACNA1D protein function with a negative predictive value of 80%. In summary, the available evidence is currently insufficient to determine the role of this variant in disease. Therefore, it has been classified as a Variant of Uncertain Significance.

GeneDx
Classification: Uncertain significance. Last evaluated: 2023-02-06. Review status: criteria provided, single submitter. Criteria: GeneDx Variant Classification Process June 2021. Collection method: clinical testing. Allele origin: germline. Affected: yes.
Comment: In silico analysis supports that this missense variant has a deleterious effect on protein structure/function; Has not been previously published as pathogenic or benign to our knowledge

NM_001128840.3(CACNA1D):c.1690G>A (p.Ala564Thr)

Gene: CACNA1D (calcium voltage-gated channel subunit alpha1 D; plus strand). Cytogenetic location: 3p21.1.
Variant type: single nucleotide variant.
Coding change: c.1690G>A on transcript NM_001128840.3 (MANE Select); coding-DNA position 1690, G replaced by A.
Protein change: p.Ala564Thr; replaces alanine 564 with threonine.
Molecular consequence: missense variant.
Genome position (GRCh38, 1-based): chr3:53,723,457, G>A. VCF-style: chr3-53723457-G-A. GRCh37 (hg19) VCF-style: chr3-53757484-G-A.
Other names: c.1750G>A, p.Ala584Thr (NM_000720.4); c.1690G>A, p.Ala564Thr (NM_001128839.3); c.1750G>A (NM_000720.2); short protein forms A564T, A584T.
Identifiers: ClinVar variation 1398267 (VCV001398267.8), dbSNP rs745525591, ClinGen allele CA2454060.